The following is an entry in ClinVar:

NM_003924.4(PHOX2B):c.710G>C (p.Gly237Ala)

Gene: PHOX2B (paired like homeobox 2B; minus strand). Cytogenetic location: 4p13.
Variant type: single nucleotide variant.
Coding change: c.710G>C on transcript NM_003924.4 (MANE Select); coding-DNA position 710, G replaced by C.
Protein change: p.Gly237Ala; replaces glycine 237 with alanine.
Molecular consequence: missense variant.
Genome position (GRCh38, 1-based): chr4:41,746,042, C>G on the plus strand (G>C on the coding strand, the complement: PHOX2B is on the minus strand). VCF-style: chr4-41746042-C-G. GRCh37 (hg19) VCF-style: chr4-41748059-C-G.
Other names: c.710G>C (NM_003924.3); short protein forms G237A.
Identifiers: ClinVar variation 1524671 (VCV001524671.10), dbSNP rs1468135641, ClinGen allele CA356737310.

ClinVar aggregate classification (germline): Uncertain significance. Review status: criteria provided, multiple submitters, no conflicts (2 of 4 stars). 3 submissions from 3 submitters: Uncertain significance (3). Last evaluated 2026-07-07.

Conditions:
Hereditary cancer-predisposing syndrome. Also called: Hereditary Cancer Syndrome; Tumor predisposition; Neoplastic Syndromes, Hereditary; Hereditary neoplastic syndrome. Identifiers: Orphanet 140162, MedGen C0027672, MeSH D009386, MONDO:0015356.
Haddad syndrome (OHD). Also called: Ondine-Hirschsprung disease. Identifiers: Orphanet 99803, MedGen C1859049, MONDO:0020493.

Submissions (3):

Ambry Genetics
Classification: Uncertain significance for Hereditary cancer-predisposing syndrome. Last evaluated: 2026-07-07. Review status: criteria provided, single submitter. Criteria: Ambry Variant Classification Scheme 2023. Collection method: clinical testing. Allele origin: germline.
Comment: The p.G237A variant (also known as c.710G>C), located in coding exon 3 of the PHOX2B gene, results from a G to C substitution at nucleotide position 710. The glycine at codon 237 is replaced by alanine, an amino acid with similar properties. This amino acid position is conserved. In addition, the in silico prediction for this alteration is inconclusive. Based on the available evidence, the clinical significance of this variant remains unclear.

GeneDx
Classification: Uncertain significance. Last evaluated: 2024-06-10. Review status: criteria provided, single submitter. Criteria: GeneDx Variant Classification Process June 2021. Collection method: clinical testing. Allele origin: germline. Affected: yes.
Comment: Not observed at significant frequency in large population cohorts (gnomAD); In silico analysis indicates that this missense variant does not alter protein structure/function; Has not been previously published as pathogenic or benign to our knowledge

Labcorp Genetics (formerly Invitae), Labcorp
Classification: Uncertain significance for Haddad syndrome. Last evaluated: 2020-11-03. Review status: criteria provided, single submitter. Criteria: Invitae Variant Classification Sherloc (09022015). Collection method: clinical testing. Allele origin: germline.
Comment: The frequency data for this variant in the population databases is considered unreliable, as metrics indicate insufficient coverage at this position in the ExAC database. In summary, the available evidence is currently insufficient to determine the role of this variant in disease. Therefore, it has been classified as a Variant of Uncertain Significance. Algorithms developed to predict the effect of missense changes on protein structure and function are either unavailable or do not agree on the potential impact of this missense change (SIFT: "Tolerated"; PolyPhen-2: "Not Available"; Align-GVGD: "Class C0"). This variant has not been reported in the literature in individuals with PHOX2B-related conditions. This sequence change replaces glycine with alanine at codon 237 of the PHOX2B protein (p.Gly237Ala). The glycine residue is moderately conserved and there is a small physicochemical difference between glycine and alanine.